The following is an entry in ClinVar:

NM_014141.6(CNTNAP2):c.133C>T (p.His45Tyr)

Gene: CNTNAP2 (contactin associated protein 2; plus strand). Cytogenetic location: 7q35.
Variant type: single nucleotide variant.
Coding change: c.133C>T on transcript NM_014141.6 (MANE Select); coding-DNA position 133, C replaced by T.
Protein change: p.His45Tyr; replaces histidine 45 with tyrosine.
Molecular consequence: missense variant.
Genome position (GRCh38, 1-based): chr7:146,774,306, C>T. VCF-style: chr7-146774306-C-T. GRCh37 (hg19) VCF-style: chr7-146471398-C-T.
Other names: p.H45Y:CAT>TAT; short protein forms H45Y.
Identifiers: ClinVar variation 205225 (VCV000205225.1), dbSNP rs746922194, ClinGen allele CA314085.

ClinVar aggregate classification (germline): Likely benign (1 of 4 stars; one submission).

gnomAD v4.1: 4 of 1,613,982 alleles (0.00025%); highest among the groups gnomAD compares: South Asian, 0.0011%; no homozygotes.

Submission:

GeneDx
Classification: Likely benign. Last evaluated: 2012-05-07. Review status: criteria provided, single submitter. Criteria: GeneDx Variant Classification (06012015). Collection method: clinical testing. Allele origin: germline. Affected: yes.
Comment: This variant is considered likely benign or benign based on one or more of the following criteria: it is a conservative change, it occurs at a poorly conserved position in the protein, it is predicted to be benign by multiple in silico algorithms, and/or has population frequency not consistent with disease.